The following is an entry in ClinVar:

ClinVar aggregate classification (germline): Pathogenic (1 of 4 stars; one submission).

Submission:

Labcorp Genetics (formerly Invitae), Labcorp
Classification: Pathogenic. Last evaluated: 2025-09-15. Review status: criteria provided, single submitter. Criteria: Invitae Variant Classification Sherloc (09022015). Collection method: clinical testing. Allele origin: germline.
Comment: This sequence change creates a premature translational stop signal (p.His481Glnfs*4) in the ASPM gene. It is expected to result in an absent or disrupted protein product. Loss-of-function variants in ASPM are known to be pathogenic (PMID: 19028728, 23611254). This variant is not present in population databases (gnomAD no frequency). This variant has not been reported in the literature in individuals affected with ASPM-related conditions. For these reasons, this variant has been classified as Pathogenic.

Literature cited by the submitters: PubMed 19028728; PubMed 23611254.

NM_018136.5(ASPM):c.1443_1444del (p.His481fs)

Gene: ASPM (assembly factor for spindle microtubules; minus strand). Cytogenetic location: 1q31.3.
Variant type: Deletion.
Coding change: c.1443_1444del on transcript NM_018136.5 (MANE Select); coding-DNA positions 1443 to 1444, 2 bases deleted (TA; older notation c.1443_1444delTA).
Protein change: p.His481fs; shifts the reading frame from histidine 481.
Molecular consequence: frameshift variant.
Genome position (GRCh38, 1-based): chr1:197,142,808-197,142,809, TA deleted on the plus strand (TA on the coding strand, the reverse complement: ASPM is on the minus strand); deleting any 2 consecutive bases within chr1:197,142,808-197,142,810 gives the same sequence; the c. name uses the placement nearest the transcript's 3' end. VCF-style (leftmost placement, unchanged base first): chr1-197142807-CTA-C. GRCh37 (hg19) VCF-style: chr1-197111937-CTA-C.
Other names: c.1443_1444del, p.His481fs (NM_001206846.2); short protein forms H481fs.
Identifiers: ClinVar variation 4727226 (VCV004727226.1).